The following is an entry in ClinVar:

ClinVar aggregate classification (germline): Uncertain significance. Review status: criteria provided, multiple submitters, no conflicts (2 of 4 stars). 2 submissions from 2 submitters: Uncertain significance (2). Last evaluated 2023-08-15.

Conditions:
Marfan syndrome (MFS). Also called: MARFAN SYNDROME, TYPE I; FBN1-Related Marfan Syndrome; Marfan syndrome type 1; Marfan's syndrome; Marfan syndrome, classic. Identifiers: Orphanet 284963, Orphanet 558, MedGen C0024796, MONDO:0007947, OMIM 154700.

Submissions (2):

All of Us Research Program, National Institutes of Health
Classification: Uncertain significance for Marfan syndrome. Last evaluated: 2023-08-15. Review status: criteria provided, single submitter. Criteria: ACMG Guidelines, 2015. Collection method: clinical testing. Allele origin: germline. Inheritance: Autosomal dominant inheritance. Observed: 1 variant allele, 1 heterozygote.
Comment: This study involves interpretation of variants in research participants for the purpose of population health screening. Participant phenotype was not available at the time of variant classification. Additional details can be found in publication PMID: 35346344, PMCID: PMC8962531

Women's Health and Genetics/Laboratory Corporation of America, LabCorp
Classification: Uncertain significance. Last evaluated: 2017-03-21. Review status: criteria provided, single submitter. Criteria: LabCorp Variant Classification Summary - May 2015. Collection method: clinical testing. Allele origin: germline.
Comment: Variant summary: The FBN1 c.8083G>A (p.Gly2695Arg) variant causes a missense change involving the alteration of a conserved nucleotide. 3/4 in silico tools predict a damaging outcome for this variant. This variant is absent in a large, broad control population, ExAC in 121410 control chromosomes. The variant of interest has not, to our knowledge, been reported in affected individuals via publications and/or reputable databases/clinical diagnostic laboratories; nor evaluated for functional impact by in vivo/vitro studies. Because of the absence of clinical information and the lack of functional studies, the variant is classified as a variant of uncertain significance (VUS) until additional information becomes available.

NM_000138.5(FBN1):c.8083G>A (p.Gly2695Arg)

Gene: FBN1 (fibrillin 1; minus strand). Cytogenetic location: 15q21.1.
Variant type: single nucleotide variant.
Coding change: c.8083G>A on transcript NM_000138.5 (MANE Select); coding-DNA position 8083, G replaced by A.
Protein change: p.Gly2695Arg; replaces glycine 2695 with arginine.
Molecular consequence: missense variant.
Genome position (GRCh38, 1-based): chr15:48,412,712, C>T on the plus strand (G>A on the coding strand, the complement: FBN1 is on the minus strand). VCF-style: chr15-48412712-C-T. GRCh37 (hg19) VCF-style: chr15-48704909-C-T.
Other names: short protein forms G2695R.
Identifiers: ClinVar variation 495657 (VCV000495657.2), dbSNP rs1555393663, ClinGen allele CA392321560.